The following is an entry in ClinVar:

NM_006662.3(SRCAP):c.923A>G (p.Gln308Arg)

Gene: SRCAP (Snf2 related CREBBP activator protein; plus strand). Cytogenetic location: 16p11.2.
Variant type: single nucleotide variant.
Coding change: c.923A>G on transcript NM_006662.3 (MANE Select); coding-DNA position 923, A replaced by G.
Protein change: p.Gln308Arg; replaces glutamine 308 with arginine.
Molecular consequence: missense variant.
Genome position (GRCh38, 1-based): chr16:30,709,917, A>G. VCF-style: chr16-30709917-A-G. GRCh37 (hg19) VCF-style: chr16-30721238-A-G.
Other names: short protein forms Q308R.
Identifiers: ClinVar variation 3905346 (VCV003905346.10).

ClinVar aggregate classification (germline): Uncertain significance (1 of 4 stars; one submission).

Submission:

CeGaT Center for Human Genetics Tuebingen
Classification: Uncertain significance. Last evaluated: 2025-06-01. Review status: criteria provided, single submitter. Criteria: CeGaT Center For Human Genetics Tuebingen Variant Classification Criteria Version 2. Collection method: clinical testing. Allele origin: germline. Affected: yes. Observed: 1 variant allele.
Comment: SRCAP: PM2